The following is an entry in ClinVar:

ClinVar aggregate classification (germline): Benign/Likely benign (0 of 4 stars; one submission).

Submission:

ISCA site 4
Classification: Benign/Likely benign. Last evaluated: 2012-09-21. Review status: no assertion criteria provided. Collection method: clinical testing. Allele origin: unknown. Affected: yes. Observed: 34 variant alleles. Clinical features observed: Global developmental delay (HP:0001263), Expressive language delay (HP:0002474), Receptive language delay (HP:0010863), Abnormality of head and neck (HP:0000152), Developmental delay AND/OR other significant developmental or morphological phenotypes, Autism (HP:0000717), Seizure (HP:0001250), Intellectual disability (HP:0001249), Seizure (HP:0001275), Cryptorchidism (HP:0000028), Attention deficit hyperactivity disorder (HP:0007018), Short stature (HP:0004322), and 14 more.
Comment: Likely benign (1), Benign (33)

Copy number variation identified through the course of routine clinical cytogenomic testing in postnatal populations, with clinical assertions as classified by the original submitter.

NCBI36/hg18 10q11.22(chr10:48395613-48933604)x1

Variant type: copy number loss.
Identifiers: ClinVar variation 144678 (VCV000144678.2).